The following is an entry in ClinVar:

ClinVar aggregate classification (germline): Conflicting classifications of pathogenicity. Review status: criteria provided, conflicting classifications (1 of 4 stars). 3 submissions from 3 submitters: Likely pathogenic (2); Uncertain significance (1). Last evaluated 2026-04-17.

Conditions:
Cystinosis. Also called: Cystine diathesis; Cystine storage disease; Cystinoses. Identifiers: Orphanet 213, MedGen C4316899, MONDO:0016239.
Ocular cystinosis. Also called: Non-Nephropathic Cystinosis; Non-Nephropathic (Ocular) Cystinosis. Identifiers: Orphanet 213, Orphanet 411641, MedGen C2931013, MONDO:0009064, OMIM 219750.
Juvenile nephropathic cystinosis. Also called: Intermediate Cystinosis; Later-Onset (Juvenile) Cystinosis; CYSTINOSIS, LATE-ONSET JUVENILE OR ADOLESCENT NEPHROPATHIC TYPE. Identifiers: Orphanet 213, Orphanet 411634, MedGen C0268626, MONDO:0009066, OMIM 219900.
Nephropathic cystinosis (CTNS). Also called: CYSTINOSIN, DEFECT OF; LYSOSOMAL CYSTINE TRANSPORT PROTEIN, DEFECT OF; Abderhalden Lignac Kaufmann disease; Abderhalden-Kaufmann-Lignac syndrome. Identifiers: Orphanet 213, Orphanet 411629, MedGen C2931187, MONDO:0100151, OMIM 219800.
Inborn genetic diseases. Identifiers: MedGen C0950123, MeSH D030342.

gnomAD v4.1: 11 of 1,610,866 alleles (0.00068%); highest among the groups gnomAD compares: Non-Finnish European, 0.00085%; no homozygotes.

Submissions (3):

Myriad Genetics, Inc.
Classification: Uncertain significance for Cystinosis. Last evaluated: 2026-04-17. Review status: criteria provided, single submitter. Criteria: Myriad Autosomal Dominant, Autosomal Recessive and X-Linked Classification Criteria (2023). Collection method: clinical testing. Allele origin: unknown.
Comment: NM_004937.2(CTNS):c.546G>T(W182C) is a missense variant classified as a variant of uncertain significance in the context of cystinosis. W182C has not been observed in cases with relevant disease. Relevant functional assessments of this variant are not available in the literature. W182C has not been observed in referenced population frequency databases. In summary, there is insufficient evidence to classify NM_004937.2(CTNS):c.546G>T(W182C) as pathogenic or benign. Please note: this variant was assessed in the context of healthy population screening.

Fulgent Genetics
Classification: Likely pathogenic for Ocular cystinosis; Nephropathic cystinosis; Juvenile nephropathic cystinosis. Last evaluated: 2024-02-13. Review status: criteria provided, single submitter. Criteria: ACMG Guidelines, 2015. Collection method: clinical testing. Allele origin: germline.

Labcorp Genetics (formerly Invitae), Labcorp
Classification: Likely pathogenic for Inborn genetic diseases; Ocular cystinosis; Juvenile nephropathic cystinosis. Last evaluated: 2022-08-01. Review status: criteria provided, single submitter. Criteria: Invitae Variant Classification Sherloc (09022015). Collection method: clinical testing. Allele origin: germline.
Comment: This variant has not been reported in the literature in individuals affected with CTNS-related conditions. ClinVar contains an entry for this variant (Variation ID: 1468051). Advanced modeling of protein sequence and biophysical properties (such as structural, functional, and spatial information, amino acid conservation, physicochemical variation, residue mobility, and thermodynamic stability) performed at Invitae indicates that this missense variant is expected to disrupt CTNS protein function. This variant disrupts the p.Trp182 amino acid residue in CTNS. Other variant(s) that disrupt this residue have been determined to be pathogenic (PMID: 9792862, 15128704; Invitae). This suggests that this residue is clinically significant, and that variants that disrupt this residue are likely to be disease-causing. In summary, the currently available evidence indicates that the variant is pathogenic, but additional data are needed to prove that conclusively. Therefore, this variant has been classified as Likely Pathogenic. This variant is not present in population databases (gnomAD no frequency). This sequence change replaces tryptophan, which is neutral and slightly polar, with cysteine, which is neutral and slightly polar, at codon 182 of the CTNS protein (p.Trp182Cys).

Literature cited by the submitters: PubMed 9792862 (cited by Labcorp Genetics (formerly Invitae), Labcorp); PubMed 15128704 (cited by Labcorp Genetics (formerly Invitae), Labcorp).

NM_004937.3(CTNS):c.546G>T (p.Trp182Cys)

Genes: CTNS (cystinosin, lysosomal cystine transporter; plus strand), CTNS-AS1 (CTNS antisense RNA 1; minus strand). Cytogenetic location: 17p13.2.
Variant type: single nucleotide variant.
Coding change: c.546G>T on transcript NM_004937.3 (MANE Select); coding-DNA position 546, G replaced by T.
Protein change: p.Trp182Cys; replaces tryptophan 182 with cysteine.
Molecular consequence: missense variant.
Genome position (GRCh38, 1-based): chr17:3,656,571, G>T. VCF-style: chr17-3656571-G-T. GRCh37 (hg19) VCF-style: chr17-3559865-G-T.
Other names: c.546G>T, p.Trp182Cys (NM_001031681.3, NM_001374492.1); c.105G>T, p.Trp35Cys (NM_001374493.1, NM_001374494.1, NM_001374495.1 and 1 more transcripts); short protein forms W182C, W35C.
Identifiers: ClinVar variation 1468051 (VCV001468051.12), dbSNP rs2150922764, ClinGen allele CA397691391.